The following is an entry in ClinVar:

ClinVar aggregate classification (germline): Uncertain significance (1 of 4 stars; one submission).

Submission:

GeneDx
Classification: Uncertain significance. Last evaluated: 2025-02-26. Review status: criteria provided, single submitter. Criteria: GeneDx Variant Classification Process June 2021. Collection method: clinical testing. Allele origin: germline. Affected: yes.
Comment: Not observed at significant frequency in large population cohorts (gnomAD); In silico analysis indicates that this missense variant does not alter protein structure/function; Has not been previously published as pathogenic or benign to our knowledge

NM_000368.5(TSC1):c.1373A>G (p.Asp458Gly)

Gene: TSC1 (TSC complex subunit 1; minus strand). Cytogenetic location: 9q34.13.
Variant type: single nucleotide variant.
Coding change: c.1373A>G on transcript NM_000368.5 (MANE Select); coding-DNA position 1373, A replaced by G.
Protein change: p.Asp458Gly; replaces aspartic acid 458 with glycine.
Molecular consequence: missense variant. On other transcripts: non-coding transcript variant (5).
Genome position (GRCh38, 1-based): chr9:132,906,796, T>C on the plus strand (A>G on the coding strand, the complement: TSC1 is on the minus strand). VCF-style: chr9-132906796-T-C. GRCh37 (hg19) VCF-style: chr9-135782183-T-C.
Other names: c.1370A>G, p.Asp457Gly (NM_001406603.1, NM_001406604.1, NM_001406608.1 and 6 more transcripts); c.1373A>G, p.Asp458Gly (NM_001406605.1, NM_001406606.1, NM_001406607.1 and 7 more transcripts); c.1220A>G, p.Asp407Gly (NM_001406610.1, NM_001162427.2); c.1217A>G, p.Asp406Gly (NM_001406611.1, NM_001406612.1, NM_001406613.1); c.1010A>G, p.Asp337Gly (NM_001362177.2, NM_001406614.1, NM_001406615.1 and 5 more transcripts); c.1007A>G, p.Asp336Gly (NM_001406620.1, NM_001406621.1, NM_001406622.1 and 2 more transcripts); c.422A>G, p.Asp141Gly (NM_001406626.1); c.419A>G, p.Asp140Gly (NM_001406627.1, NM_001406628.1); and 1 more; short protein forms D107G, D140G, D141G, D336G, D337G, D406G, D407G, D457G.
Identifiers: ClinVar variation 4077212 (VCV004077212.1).
Genomic context (GRCh38, chr9:132,906,796, plus strand): 5'-TCTTTATCTTTTTCAATACTATCTTCTTCAGAGGCCAGATCACCTAAAAACCCTGGAAGA[T>C]CACTTAGAGTGACAGAACCTTTGCTGCCAGGTGGCTCTTCTGAAGAGAAACAAAGACAAC-3'
Protein context (NP_000359.1, residues 448-468): PGSKGSVTLS[Asp458Gly]LPGFLGDLAS